The following is an entry in ClinVar:

NM_018206.6(VPS35):c.755A>G (p.Asn252Ser)

Gene: VPS35 (VPS35 retromer complex component; minus strand). Cytogenetic location: 16q11.2.
Variant type: single nucleotide variant.
Coding change: c.755A>G on transcript NM_018206.6 (MANE Select); coding-DNA position 755, A replaced by G.
Protein change: p.Asn252Ser; replaces asparagine 252 with serine.
Molecular consequence: missense variant.
Genome position (GRCh38, 1-based): chr16:46,677,364, T>C on the plus strand (A>G on the coding strand, the complement: VPS35 is on the minus strand). VCF-style: chr16-46677364-T-C. GRCh37 (hg19) VCF-style: chr16-46711276-T-C.
Other names: short protein forms N252S.
Identifiers: ClinVar variation 2870412 (VCV002870412.3), dbSNP rs1966167510, ClinGen allele CA395811776.

ClinVar aggregate classification (germline): Uncertain significance (1 of 4 stars; one submission).

Conditions:
Parkinson disease 17 (PARK17). Also called: VPS35-Related Parkinson Disease. Identifiers: Orphanet 411602, MedGen C3280133, MONDO:0013625, OMIM 614203.

Allele frequency attached by ClinVar (database versions not stated): gnomAD exomes below 0.00001; TOPMed below 0.00001.
gnomAD v4.1: 1 of 1,613,996 alleles (0.000062%); highest among the groups gnomAD compares: Non-Finnish European, 0.000085%; no homozygotes.

Submission:

Labcorp Genetics (formerly Invitae), Labcorp
Classification: Uncertain significance for Parkinson disease 17. Last evaluated: 2022-11-17. Review status: criteria provided, single submitter. Criteria: Invitae Variant Classification Sherloc (09022015). Collection method: clinical testing. Allele origin: germline.
Comment: In summary, the available evidence is currently insufficient to determine the role of this variant in disease. Therefore, it has been classified as a Variant of Uncertain Significance. Advanced modeling of protein sequence and biophysical properties (such as structural, functional, and spatial information, amino acid conservation, physicochemical variation, residue mobility, and thermodynamic stability) performed at Invitae indicates that this missense variant is not expected to disrupt VPS35 protein function. This variant has not been reported in the literature in individuals affected with VPS35-related conditions. This variant is not present in population databases (gnomAD no frequency). This sequence change replaces asparagine, which is neutral and polar, with serine, which is neutral and polar, at codon 252 of the VPS35 protein (p.Asn252Ser).